The following is an entry in ClinVar:

NM_203447.4(DOCK8):c.4785+6C>G

Gene: DOCK8 (dedicator of cytokinesis 8; plus strand). Cytogenetic location: 9p24.3.
Variant type: single nucleotide variant.
Coding change: c.4785+6C>G on transcript NM_203447.4 (MANE Select); 6 bases into the intron after coding-DNA position 4785, C replaced by G.
Molecular consequence: intron variant.
Genome position (GRCh38, 1-based): chr9:432,330, C>G. VCF-style: chr9-432330-C-G. GRCh37 (hg19) VCF-style: chr9-432330-C-G.
Other names: p.?; c.4581+6C>G (NM_001193536.2); c.4485+6C>G (NM_001190458.2).
Identifiers: ClinVar variation 163176 (VCV000163176.31), dbSNP rs7036567, ClinGen allele CA175869.

ClinVar aggregate classification (germline): Benign/Likely benign. Review status: criteria provided, multiple submitters, no conflicts (2 of 4 stars). 13 submissions from 13 submitters: Benign (10); Likely benign (1). 2 of the submissions do not count toward it. Last evaluated 2026-02-04.

Conditions:
Combined immunodeficiency due to DOCK8 deficiency (HIES2). Also called: HIES autosomal recessive; Hyper-IgE recurrent infection syndrome, autosomal recessive; HYPER-IgE RECURRENT INFECTION SYNDROME 2, AUTOSOMAL RECESSIVE; HYPER-IgE SYNDROME 2, AUTOSOMAL RECESSIVE, WITH RECURRENT INFECTIONS; DOCK8 Deficiency. Identifiers: Orphanet 217390, MedGen C4722305, MONDO:0009478, OMIM 243700.

Allele frequency attached by ClinVar (database versions not stated): ESP Exome Variant Server 0.66923; TOPMed 0.68964; gnomAD 0.70190; 1000 Genomes Project 30x 0.70737; 1000 Genomes Project 0.71426; ExAC 0.75771; gnomAD exomes 0.76606.
gnomAD v4.1: 1,220,504 of 1,613,316 alleles (76%); highest among the groups gnomAD compares: East Asian, 98%; 466,623 homozygotes.

Submissions (13):

Labcorp Genetics (formerly Invitae), Labcorp
Classification: Benign for Combined immunodeficiency due to DOCK8 deficiency. Last evaluated: 2026-02-04. Review status: criteria provided, single submitter. Criteria: Invitae Variant Classification Sherloc (09022015). Collection method: clinical testing. Allele origin: germline.

Women's Health and Genetics/Laboratory Corporation of America, LabCorp
Classification: Benign. Last evaluated: 2026-01-21. Review status: criteria provided, single submitter. Criteria: LabCorp Variant Classification Summary - May 2015. Collection method: clinical testing. Allele origin: germline.

Blueprint Genetics
Classification: Likely benign. Last evaluated: 2024-11-27. Review status: criteria provided, single submitter. Criteria: ACMG Guidelines, 2015. Collection method: clinical testing. Allele origin: germline.

Unidad de Genómica Garrahan, Hospital de Pediatría Garrahan
Classification: Benign. Last evaluated: 2023-11-12. Review status: criteria provided, single submitter. Criteria: ACMG Guidelines, 2015. Collection method: clinical testing. Allele origin: germline. Affected: no. Observed: 92 variant alleles.
Comment: This variant is classified as Benign based on local population frequency. This variant was detected in 96% of patients studied by a panel of primary immunodeficiencies. Number of patients: 92. Only high quality variants are reported.

Genome-Nilou Lab
Classification: Benign for Combined immunodeficiency due to DOCK8 deficiency. Last evaluated: 2021-07-14. Review status: criteria provided, single submitter. Criteria: ACMG Guidelines, 2015. Collection method: clinical testing. Allele origin: germline. Affected: no.

Mayo Clinic Laboratories, Mayo Clinic
Classification: Benign. Last evaluated: 2019-02-26. Review status: criteria provided, single submitter. Criteria: ACMG Guidelines, 2015. Collection method: clinical testing. Allele origin: germline. Observed: 825 variant alleles.

Illumina Laboratory Services, Illumina
Classification: Benign for Combined immunodeficiency due to DOCK8 deficiency. Last evaluated: 2018-01-13. Review status: criteria provided, single submitter. Criteria: ICSL Variant Classification Criteria 13 December 2019. Collection method: clinical testing. Allele origin: germline.
Comment: This variant was observed in the ICSL laboratory as part of a predisposition screen in an ostensibly healthy population. It had not been previously curated by ICSL or reported in the Human Gene Mutation Database (HGMD: prior to June 1st, 2018), and was therefore a candidate for classification through an automated scoring system. Utilizing variant allele frequency, disease prevalence and penetrance estimates, and inheritance mode, an automated score was calculated to assess if this variant is too frequent to cause the disease. Based on the score and internal cut-off values, a variant classified as benign is not then subjected to further curation. The score for this variant resulted in a classification of benign for this disease.

GeneDx
Classification: Benign. Last evaluated: 2015-03-03. Review status: criteria provided, single submitter. Criteria: GeneDx Variant Classification Process June 2021. Collection method: clinical testing. Allele origin: germline. Affected: yes.

Laboratory for Molecular Medicine, Mass General Brigham Personalized Medicine
Classification: Benign. Last evaluated: 2013-02-21. Review status: criteria provided, single submitter. Criteria: LMM Criteria. Collection method: clinical testing. Allele origin: germline. Observed: 59 variant alleles.
Comment: 4785+6C>G in intron 37 of DOCK8: This variant is not expected to have clinical s ignificance because it has been identified in 49.3% (2171/4406) of African Ameri can chromosomes from a broad population by the NHLBI Exome Sequencing Project (dbSNP rs7036567).

Breakthrough Genomics
Classification: Benign. Review status: criteria provided, single submitter. Criteria: ACMG Guidelines, 2015. Collection method: not provided. Allele origin: germline. Inheritance: Autosomal recessive inheritance. Affected: yes.

PreventionGenetics, part of Exact Sciences
Classification: Benign. Review status: criteria provided, single submitter. Criteria: ACMG Guidelines, 2015. Collection method: clinical testing. Allele origin: germline.

Diagnostic Laboratory, Department of Genetics, University Medical Center Groningen
Classification: Benign. Review status: no assertion criteria provided. Collection method: clinical testing. Allele origin: germline. Affected: yes. Study: VKGL Data-share Consensus. Not counted in ClinVar's aggregate classification.

Genome Diagnostics Laboratory, University Medical Center Utrecht
Classification: Benign. Review status: no assertion criteria provided. Collection method: clinical testing. Allele origin: germline. Affected: yes. Study: VKGL Data-share Consensus. Not counted in ClinVar's aggregate classification.